The following is an entry in ClinVar:

NM_001377.3(DYNC2H1):c.11970C>T (p.Asp3990=)

Gene: DYNC2H1 (dynein cytoplasmic 2 heavy chain 1; plus strand). Cytogenetic location: 11q22.3.
Variant type: single nucleotide variant.
Coding change: c.11970C>T on transcript NM_001377.3 (MANE Select); coding-DNA position 11970, C replaced by T.
Protein change: p.Asp3990=; no amino-acid change (aspartic acid 3990 retained).
Molecular consequence: synonymous variant.
Genome position (GRCh38, 1-based): chr11:103,323,921, C>T. VCF-style: chr11-103323921-C-T. GRCh37 (hg19) VCF-style: chr11-103194649-C-T.
Other names: c.11991C>T, p.Asp3997= (NM_001080463.2).
Identifiers: ClinVar variation 877290 (VCV000877290.15), dbSNP rs370818346, ClinGen allele CA6255426.
Genomic context (GRCh38, chr11:103,323,921, plus strand): 5'-CTGTTTTTCACTTCTTTATATTTAGGACTATCGTGCTGTCATTGAGAAAATTCCAGAGGA[C>T]GACAAACCTAGTTTCTTTGGTCTGCCTGCCAATATCGCTCGCTCATCTCAGCGCATGATC-3'
Protein context (NP_001368.2, residues 3980-4000): YRAVIEKIPE[Asp3990=]DKPSFFGLPA

ClinVar aggregate classification (germline): Conflicting classifications of pathogenicity. Review status: criteria provided, conflicting classifications (1 of 4 stars). 4 submissions from 4 submitters: Uncertain significance (1); Likely benign (2). 1 of the submissions does not count toward it. Last evaluated 2025-11-01.

Conditions:
Jeune thoracic dystrophy. Also called: Jeune syndrome; Infantile thoracic dystrophy; Thoracic pelvic phalangeal dystrophy; Jeune's syndrome; Chondroectodermal dysplasia-like syndrome; Short-rib thoracic dysplasia. Identifiers: Orphanet 474, MedGen C0265275, MONDO:0018770.
Asphyxiating thoracic dystrophy 3. Also called: SHORT-RIB THORACIC DYSPLASIA 3 WITH OR WITHOUT POLYDACTYLY; POLYDACTYLY WITH NEONATAL CHONDRODYSTROPHY, TYPE I; SHORT-RIB THORACIC DYSPLASIA 3/6 WITH POLYDACTYLY, DIGENIC; Short rib polydactyly syndrome 2B; Saldino-Noonan Syndrome. Identifiers: Orphanet 474, Orphanet 93269, Orphanet 93270, Orphanet 93271, MedGen C0036069, MONDO:0013127, OMIM 613091.
DYNC2H1-related disorder. Also called: DYNC2H1-related condition; DYNC2H1-related disorders. Identifiers: MedGen CN378770.

Allele frequency attached by ClinVar (database versions not stated): gnomAD 0.00001; gnomAD exomes 0.00002 and 0.00004; TOPMed 0.00003; ExAC 0.00006; ESP Exome Variant Server 0.00008.
gnomAD v4.1: 37 of 1,612,424 alleles (0.0023%); highest among the groups gnomAD compares: African/African-American, 0.0053%; no homozygotes.

Submissions (4):

Labcorp Genetics (formerly Invitae), Labcorp
Classification: Likely benign for Jeune thoracic dystrophy. Last evaluated: 2025-11-01. Review status: criteria provided, single submitter. Criteria: Invitae Variant Classification Sherloc (09022015). Collection method: clinical testing. Allele origin: germline.

Blueprint Genetics
Classification: Likely benign. Last evaluated: 2023-10-30. Review status: criteria provided, single submitter. Criteria: ACMG Guidelines, 2015. Collection method: clinical testing. Allele origin: germline.

Illumina Laboratory Services, Illumina
Classification: Uncertain significance for Asphyxiating thoracic dystrophy 3. Last evaluated: 2017-04-28. Review status: criteria provided, single submitter. Criteria: ICSL Variant Classification Criteria 13 December 2019. Collection method: clinical testing. Allele origin: germline.

PreventionGenetics, part of Exact Sciences
Classification: Likely benign for DYNC2H1-related condition. Last evaluated: 2023-01-18. Review status: no assertion criteria provided. Collection method: clinical testing. Allele origin: germline. Not counted in ClinVar's aggregate classification.
Comment: This variant is classified as likely benign based on ACMG/AMP sequence variant interpretation guidelines (Richards et al. 2015 PMID: 25741868, with internal and published modifications).